The following is an entry in ClinVar:

NM_003073.5(SMARCB1):c.500+127C>G

Gene: SMARCB1 (SWI/SNF related BAF chromatin remodeling complex subunit B1; plus strand). Cytogenetic location: 22q11.23.
Variant type: single nucleotide variant.
Coding change: c.500+127C>G on transcript NM_003073.5 (MANE Select); 127 bases into the intron after coding-DNA position 500, C replaced by G.
Molecular consequence: intron variant.
Genome position (GRCh38, 1-based): chr22:23,801,208, C>G. VCF-style: chr22-23801208-C-G. GRCh37 (hg19) VCF-style: chr22-24143395-C-G.
Other names: c.554+73C>G (NM_001362877.2); c.527+73C>G (NM_001317946.2); c.473+127C>G (NM_001007468.3).
Identifiers: ClinVar variation 3446089 (VCV003446089.1).
Genomic context (GRCh38, chr22:23,801,208, plus strand): 5'-TCCTTCCTCCCCAGAAAAACACTCTGCTTTGACCTTGTGCTCCCCACAACGCCACAGTAC[C>G]TCCTCGCCTTTGAACTGTTGTGTTTCCCTGACTTCCAGGACATTGTCCATAGCCTCCTTG-3'

ClinVar aggregate classification (germline): Uncertain significance (1 of 4 stars; one submission).

Conditions:
Hereditary cancer-predisposing syndrome. Also called: Tumor predisposition; Neoplastic Syndromes, Hereditary; Hereditary neoplastic syndrome; Hereditary Cancer Syndrome. Identifiers: Orphanet 140162, MedGen C0027672, MeSH D009386, MONDO:0015356.

Submission:

Ambry Genetics
Classification: Uncertain significance for Hereditary cancer-predisposing syndrome. Last evaluated: 2024-11-22. Review status: criteria provided, single submitter. Criteria: Ambry Variant Classification Scheme 2023. Collection method: clinical testing. Allele origin: germline.
Comment: The c.500+127C>G intronic variant results from a C to G substitution 127 nucleotides after coding exon 4 in the SMARCB1 gene. This nucleotide position is not well conserved in available vertebrate species. In silico splice site analysis predicts that this alteration will result in the creation or strengthening of a novel splice donor site; however, direct evidence is insufficient at this time (Ambry internal data). Based on the available evidence, the clinical significance of this variant remains unclear.